The following is an entry in ClinVar:

NM_017514.5(PLXNA3):c.2142G>A (p.Ser714=)

Gene: PLXNA3 (plexin A3; plus strand). Cytogenetic location: Xq28.
Variant type: single nucleotide variant.
Coding change: c.2142G>A on transcript NM_017514.5 (MANE Select); coding-DNA position 2142, G replaced by A.
Protein change: p.Ser714=; no amino-acid change (serine 714 retained).
Molecular consequence: synonymous variant.
Genome position (GRCh38, 1-based): chrX:154,465,116, G>A. VCF-style: chrX-154465116-G-A. GRCh37 (hg19) VCF-style: chrX-153693459-G-A.
Identifiers: ClinVar variation 3059821 (VCV003059821.2), dbSNP rs782526970, ClinGen allele CA10564285.

ClinVar aggregate classification (germline): Likely benign (0 of 4 stars; one submission).

Conditions:
PLXNA3-related disorder. Also called: PLXNA3-related condition.

Allele frequency attached by ClinVar (database versions not stated): gnomAD 0.00001; TOPMed 0.00002; gnomAD exomes 0.00004; ExAC 0.00005.
gnomAD v4.1: 48 of 1,209,243 alleles (0.004%); highest among the groups gnomAD compares: East Asian, 0.015%; no homozygotes.

Submission:

PreventionGenetics, part of Exact Sciences
Classification: Likely benign for PLXNA3-related condition. Last evaluated: 2023-08-16. Review status: no assertion criteria provided. Collection method: clinical testing. Allele origin: germline.
Comment: This variant is classified as likely benign based on ACMG/AMP sequence variant interpretation guidelines (Richards et al. 2015 PMID: 25741868, with internal and published modifications).